The following is an entry in ClinVar:

NM_018100.4(EFHC1):c.526A>G (p.Ile176Val)

Gene: EFHC1 (EF-hand domain containing 1; plus strand). Cytogenetic location: 6p12.2.
Variant type: single nucleotide variant.
Coding change: c.526A>G on transcript NM_018100.4 (MANE Select); coding-DNA position 526, A replaced by G.
Protein change: p.Ile176Val; replaces isoleucine 176 with valine.
Molecular consequence: missense variant. On other transcripts: non-coding transcript variant (1).
Genome position (GRCh38, 1-based): chr6:52,438,544, A>G. VCF-style: chr6-52438544-A-G. GRCh37 (hg19) VCF-style: chr6-52303342-A-G.
Other names: c.469A>G, p.Ile157Val (NM_001172420.2); short protein forms I176V, I157V.
Identifiers: ClinVar variation 567847 (VCV000567847.10), dbSNP rs369777400, ClinGen allele CA3855762.
Genomic context (GRCh38, chr6:52,438,544, plus strand): 5'-AAGAATGACCGGGGTGACCATTACCATTGGAAAGACCTAAATCGAGGAATAAACATCACA[A>G]TTTATGGCAAAACTTTCCGCGTTGTTGACTGTGACCAATTCACACAGGTATAGCATATAT-3'
Protein context (NP_060570.2, residues 166-186): KDLNRGINIT[Ile176Val]YGKTFRVVDC

ClinVar aggregate classification (germline): Uncertain significance (1 of 4 stars; one submission).

Conditions:
Absence seizure. Also called: Absence epilepsy. Identifiers: Orphanet 1941, MedGen C0014553.
Myoclonic epilepsy, juvenile, susceptibility to, 1. Also called: Myoclonic Epilepsy, Juvenile, 1; EJM1. Identifiers: MedGen C1850778, MONDO:0020752, OMIM 254770.

Allele frequency attached by ClinVar (database versions not stated): gnomAD exomes below 0.00001 and 0.00001; ExAC 0.00003; gnomAD 0.00003 and 0.00004; TOPMed 0.00006; ESP Exome Variant Server 0.00015.
gnomAD v4.1: 7 of 1,613,956 alleles (0.00043%); highest among the groups gnomAD compares: African/African-American, 0.0067%; no homozygotes.

Submission:

Labcorp Genetics (formerly Invitae), Labcorp
Classification: Uncertain significance for Myoclonic epilepsy, juvenile, susceptibility to, 1; Absence seizure. Last evaluated: 2020-02-14. Review status: criteria provided, single submitter. Criteria: Invitae Variant Classification Sherloc (09022015). Collection method: clinical testing. Allele origin: germline.
Comment: This sequence change replaces isoleucine with valine at codon 176 of the EFHC1 protein (p.Ile176Val). The isoleucine residue is moderately conserved and there is a small physicochemical difference between isoleucine and valine. This variant is present in population databases (rs369777400, ExAC 0.03%). This variant has not been reported in the literature in individuals with EFHC1-related disease. Algorithms developed to predict the effect of missense changes on protein structure and function output the following: SIFT: "Tolerated"; PolyPhen-2: "Benign"; Align-GVGD: "Class C0". The valine amino acid residue is found in multiple mammalian species, suggesting that this missense change does not adversely affect protein function. These predictions have not been confirmed by published functional studies and their clinical significance is uncertain. In summary, the available evidence is currently insufficient to determine the role of this variant in disease. Therefore, it has been classified as a Variant of Uncertain Significance.